The following is an entry in ClinVar:

ClinVar aggregate classification (germline): Likely pathogenic (1 of 4 stars; one submission).

Conditions:
Joubert syndrome 37. Identifiers: MedGen C5543064, MONDO:0030933, OMIM 619185.

Allele frequency attached by ClinVar (database versions not stated): gnomAD exomes below 0.00001.
gnomAD v4.1: 1 of 1,604,700 alleles (0.000062%); highest among the groups gnomAD compares: Non-Finnish European, 0.000085%; no homozygotes.

Submission:

Greenwood Genetic Center Diagnostic Laboratories, Greenwood Genetic Center
Classification: Likely pathogenic for Joubert syndrome 37. Last evaluated: 2022-06-15. Review status: criteria provided, single submitter. Criteria: ACMG Guidelines, 2015. Collection method: clinical testing. Allele origin: germline. Affected: yes.
Comment: PVS1, PM2

NM_001308120.2(TOGARAM1):c.4150C>T (p.Gln1384Ter)

Gene: TOGARAM1 (TOG array regulator of axonemal microtubules 1; plus strand). Cytogenetic location: 14q21.2.
Variant type: single nucleotide variant.
Coding change: c.4150C>T on transcript NM_001308120.2 (MANE Select); coding-DNA position 4150, C replaced by T.
Protein change: p.Gln1384Ter; replaces glutamine 1384 with a stop codon.
Molecular consequence: nonsense. On other transcripts: non-coding transcript variant (1).
Genome position (GRCh38, 1-based): chr14:45,044,866, C>T. VCF-style: chr14-45044866-C-T. GRCh37 (hg19) VCF-style: chr14-45514069-C-T.
Other names: c.4150C>T, p.Gln1384Ter (NM_015091.4); short protein forms Q1384*.
Identifiers: ClinVar variation 1703114 (VCV001703114.3), dbSNP rs1037051745, ClinGen allele CA259618801.